The following is an entry in ClinVar:

ClinVar aggregate classification (germline): Likely benign. Review status: criteria provided, multiple submitters, no conflicts (2 of 4 stars). 4 submissions from 4 submitters: Likely benign (4). Last evaluated 2026-04-01.

Conditions:
ABHD12-related disorder. Also called: ABHD12-related condition.

Allele frequency attached by ClinVar (database versions not stated): gnomAD 0.00007; TOPMed 0.00007; gnomAD exomes 0.00012; ExAC 0.00035.
gnomAD v4.1: 129 of 1,479,512 alleles (0.0087%); highest among the groups gnomAD compares: South Asian, 0.028%; no homozygotes.

Submissions (4):

CeGaT Center for Human Genetics Tuebingen
Classification: Likely benign. Last evaluated: 2026-04-01. Review status: criteria provided, single submitter. Criteria: CeGaT Center For Human Genetics Tuebingen Variant Classification Criteria Version 2. Collection method: clinical testing. Allele origin: germline. Affected: yes. Observed: 2 variant alleles.
Comment: ABHD12: BP4, BP7

PreventionGenetics, part of Exact Sciences
Classification: Likely benign for ABHD12-related condition. Last evaluated: 2025-09-22. Review status: criteria provided, single submitter. Criteria: ACMG Guidelines, 2015. Collection method: clinical testing. Allele origin: germline.
Comment: This variant is classified as likely benign based on ACMG/AMP sequence variant interpretation guidelines (Richards et al. 2015 PMID: 25741868, with internal and published modifications).

Labcorp Genetics (formerly Invitae), Labcorp
Classification: Likely benign. Last evaluated: 2024-11-05. Review status: criteria provided, single submitter. Criteria: Invitae Variant Classification Sherloc (09022015). Collection method: clinical testing. Allele origin: germline.

Blueprint Genetics
Classification: Likely benign. Last evaluated: 2024-04-25. Review status: criteria provided, single submitter. Criteria: ACMG Guidelines, 2015. Collection method: clinical testing. Allele origin: germline.

NM_001042472.3(ABHD12):c.129G>A (p.Thr43=)

Genes: ABHD12 (abhydrolase domain containing 12, lysophospholipase; minus strand), LOC130065586 (ATAC-STARR-seq lymphoblastoid silent region 12752; plus strand). Cytogenetic location: 20p11.21.
Variant type: single nucleotide variant.
Coding change: c.129G>A on transcript NM_001042472.3 (MANE Select); coding-DNA position 129, G replaced by A.
Protein change: p.Thr43=; no amino-acid change (threonine 43 retained).
Molecular consequence: synonymous variant.
Genome position (GRCh38, 1-based): chr20:25,390,575, C>T on the plus strand (G>A on the coding strand, the complement: ABHD12 is on the minus strand). VCF-style: chr20-25390575-C-T. GRCh37 (hg19) VCF-style: chr20-25371211-C-T.
Other names: c.129G>A (NM_001042472.2); c.129G>A, p.Thr43= (NM_015600.5).
Identifiers: ClinVar variation 1016835 (VCV001016835.33), dbSNP rs757700898, ClinGen allele CA9796316.
Genomic context (GRCh38, chr20:25,390,575, plus strand): 5'-GCCCAGCGCCCGCTTCATTCCCGCGTCGGCTGCGCAGCGCGGCTCAGCCGCCGCCGGGCC[C>T]GTCAGGCGTAGGTTCTGCTTCAGGCGGCAGTCGGCGTCCAGCGCCGCGGCGGCCGAGCCG-3'
Protein context (NP_001035937.1, residues 33-53): DCRLKQNLRL[Thr43=]GPAAAEPRCA